The following is an entry in ClinVar:

NM_000297.4(PKD2):c.109G>A (p.Gly37Ser)

Genes: PKD2 (polycystin 2, transient receptor potential cation channel; plus strand), LOC129992813 (ATAC-STARR-seq lymphoblastoid silent region 15559; plus strand). Cytogenetic location: 4q22.1.
Variant type: single nucleotide variant.
Coding change: c.109G>A on transcript NM_000297.4 (MANE Select); coding-DNA position 109, G replaced by A.
Protein change: p.Gly37Ser; replaces glycine 37 with serine.
Molecular consequence: missense variant. On other transcripts: non-coding transcript variant (1).
Genome position (GRCh38, 1-based): chr4:88,007,842, G>A. VCF-style: chr4-88007842-G-A. GRCh37 (hg19) VCF-style: chr4-88928994-G-A.
Other names: short protein forms G37S.
Identifiers: ClinVar variation 659676 (VCV000659676.11), dbSNP rs1007960523, ClinGen allele CA100873011.

ClinVar aggregate classification (germline): Uncertain significance. Review status: criteria provided, multiple submitters, no conflicts (2 of 4 stars). 3 submissions from 3 submitters: Uncertain significance (3). Last evaluated 2025-12-03.

Conditions:
Polycystic kidney disease 2 (PKD2). Also called: Polycystic Kidney Disease 2, Autosomal Dominant; POLYCYSTIC KIDNEY DISEASE, ADULT, TYPE II; POLYCYSTIC KIDNEY DISEASE 2 WITH OR WITHOUT POLYCYSTIC LIVER DISEASE. Identifiers: MedGen C2751306, MONDO:0013131, OMIM 613095.
Autosomal dominant polycystic kidney disease. Identifiers: Orphanet 730, MedGen C0085413, MONDO:0004691.

Allele frequency attached by ClinVar (database versions not stated): TOPMed below 0.00001; gnomAD exomes 0.00002.
gnomAD v4.1: 4 of 1,207,948 alleles (0.00033%); highest among the groups gnomAD compares: Non-Finnish European, 0.00041%; no homozygotes.

Submissions (3):

Labcorp Genetics (formerly Invitae), Labcorp
Classification: Uncertain significance for Autosomal dominant polycystic kidney disease. Last evaluated: 2025-12-03. Review status: criteria provided, single submitter. Criteria: Invitae Variant Classification Sherloc (09022015). Collection method: clinical testing. Allele origin: germline.
Comment: This sequence change replaces glycine, which is neutral and non-polar, with serine, which is neutral and polar, at codon 37 of the PKD2 protein (p.Gly37Ser). The frequency data for this variant in the population databases is considered unreliable, as metrics indicate insufficient coverage at this position in the gnomAD database. This variant has not been reported in the literature in individuals affected with PKD2-related conditions. ClinVar contains an entry for this variant (Variation ID: 659676). An algorithm developed to predict the effect of missense changes on protein structure and function (PolyPhen-2) suggests that this variant is likely to be tolerated. In summary, the available evidence is currently insufficient to determine the role of this variant in disease. Therefore, it has been classified as a Variant of Uncertain Significance.

Fulgent Genetics
Classification: Uncertain significance for Polycystic kidney disease 2. Last evaluated: 2022-02-02. Review status: criteria provided, single submitter. Criteria: ACMG Guidelines, 2015. Collection method: clinical testing. Allele origin: unknown.

Blueprint Genetics
Classification: Uncertain significance. Last evaluated: 2019-05-02. Review status: criteria provided, single submitter. Criteria: ACMG Guidelines, 2015. Collection method: clinical testing. Allele origin: germline.